The following is an entry in ClinVar:

ClinVar aggregate classification (germline): Conflicting classifications of pathogenicity. Review status: criteria provided, conflicting classifications (1 of 4 stars). 2 submissions from 2 submitters: Likely pathogenic (1); Uncertain significance (1). Last evaluated 2025-05-25.

Conditions:
Hereditary cancer-predisposing syndrome. Also called: Neoplastic Syndromes, Hereditary; Tumor predisposition; Hereditary neoplastic syndrome; Hereditary Cancer Syndrome. Identifiers: Orphanet 140162, MedGen C0027672, MeSH D009386, MONDO:0015356.

Allele frequency attached by ClinVar (database versions not stated): gnomAD exomes below 0.00001; ExAC 0.00001; TOPMed 0.00001.
gnomAD v4.1: 1 of 1,613,446 alleles (0.000062%); highest among the groups gnomAD compares: Admixed American, 0.0017%; no homozygotes.

Submissions (2):

Ambry Genetics
Classification: Uncertain significance for Hereditary cancer-predisposing syndrome. Last evaluated: 2025-05-25. Review status: criteria provided, single submitter. Criteria: Ambry Variant Classification Scheme 2023. Collection method: clinical testing. Allele origin: germline.
Comment: The c.6657+1G>A intronic variant results from a G to A substitution one nucleotide after coding exon 47 of the POLE gene. Alterations that disrupt the canonical splice site are expected to result in aberrant splicing. In silico splice site analysis predicts that this alteration will weaken the native splice donor site. A resulting transcript is predicted to be in-frame and is not expected to trigger nonsense-mediated mRNAdecay; although, direct evidence is unavailable. This nucleotide position is highly conserved in available vertebrate species. Based on the available evidence, the clinical significance of this variant remains unclear.

Labcorp Genetics (formerly Invitae), Labcorp
Classification: Likely pathogenic. Last evaluated: 2025-02-07. Review status: criteria provided, single submitter. Criteria: Invitae Variant Classification Sherloc (09022015). Collection method: clinical testing. Allele origin: germline.
Comment: This sequence change affects a donor splice site in intron 47 of the POLE gene. It is expected to disrupt RNA splicing. Variants that disrupt the donor or acceptor splice site typically lead to a loss of protein function (PMID: 16199547), and loss-of-function variants in POLE are known to be pathogenic (PMID: 23230001, 25948378, 30503519). The frequency data for this variant in the population databases is considered unreliable, as metrics indicate poor data quality at this position in the gnomAD database. This variant has not been reported in the literature in individuals affected with POLE-related conditions. ClinVar contains an entry for this variant (Variation ID: 826536). Algorithms developed to predict the effect of sequence changes on RNA splicing suggest that this variant may disrupt the consensus splice site. In summary, the currently available evidence indicates that the variant is pathogenic, but additional data are needed to prove that conclusively. Therefore, this variant has been classified as Likely Pathogenic.

Literature cited by the submitters: PubMed 16199547 (cited by Labcorp Genetics (formerly Invitae), Labcorp); PubMed 23230001 (cited by Labcorp Genetics (formerly Invitae), Labcorp); PubMed 25948378 (cited by Labcorp Genetics (formerly Invitae), Labcorp); PubMed 30503519 (cited by Labcorp Genetics (formerly Invitae), Labcorp).

NM_006231.4(POLE):c.6657+1G>A

Gene: POLE (DNA polymerase epsilon, catalytic subunit; minus strand). Cytogenetic location: 12q24.33.
Variant type: single nucleotide variant.
Coding change: c.6657+1G>A on transcript NM_006231.4 (MANE Select); the canonical splice donor site of the intron after coding-DNA position 6657, G replaced by A.
Molecular consequence: splice donor variant.
Genome position (GRCh38, 1-based): chr12:132,625,644, C>T on the plus strand (G>A on the coding strand, the complement: POLE is on the minus strand). VCF-style: chr12-132625644-C-T. GRCh37 (hg19) VCF-style: chr12-133202230-C-T.
Identifiers: ClinVar variation 826536 (VCV000826536.6), dbSNP rs776085810, ClinGen allele CA6892115.